The following is an entry in ClinVar:

NM_001145809.2(MYH14):c.4903G>A (p.Glu1635Lys)

Gene: MYH14 (myosin heavy chain 14; plus strand). Cytogenetic location: 19q13.33.
Variant type: single nucleotide variant.
Coding change: c.4903G>A on transcript NM_001145809.2 (MANE Select); coding-DNA position 4903, G replaced by A.
Protein change: p.Glu1635Lys; replaces glutamic acid 1635 with lysine.
Molecular consequence: missense variant.
Genome position (GRCh38, 1-based): chr19:50,289,586, G>A. VCF-style: chr19-50289586-G-A. GRCh37 (hg19) VCF-style: chr19-50792843-G-A.
Other names: c.4780G>A, p.Glu1594Lys (NM_024729.4); c.4804G>A, p.Glu1602Lys (NM_001077186.2); short protein forms E1594K, E1635K, E1602K.
Identifiers: ClinVar variation 893979 (VCV000893979.8), dbSNP rs140157424, ClinGen allele CA9593632.
Genomic context (GRCh38, chr19:50,289,586, plus strand): 5'-GCGGCCGAGGATGCCAAGCTGCGTCTGGAGGTGACTGTGCAGGCTCTCAAGACTCAGCAT[G>A]AGCGTGACCTGCAGGGCCGTGATGAGGCTGGTGAAGAGAGGCGGAGGCAGCTGGCCAAGC-3'
Protein context (NP_001139281.1, residues 1625-1645): VTVQALKTQH[Glu1635Lys]RDLQGRDEAG

ClinVar aggregate classification (germline): Conflicting classifications of pathogenicity. Review status: criteria provided, conflicting classifications (1 of 4 stars). 3 submissions from 3 submitters: Uncertain significance (1); Likely benign (2). Last evaluated 2023-05-11.

Conditions:
Autosomal dominant nonsyndromic hearing loss 4A. Also called: Deafness, autosomal dominant 4A. Identifiers: Orphanet 90635, MedGen C1833503, MONDO:0010915, OMIM 600652.

Allele frequency attached by ClinVar (database versions not stated): gnomAD 0.00003 and 0.00008; TOPMed 0.00004; gnomAD exomes 0.00006 and 0.00011; ExAC 0.00014; 1000 Genomes Project 30x 0.00047; 1000 Genomes Project 0.00060.
gnomAD v4.1: 104 of 1,612,966 alleles (0.0064%); highest among the groups gnomAD compares: East Asian, 0.22%; no homozygotes.

Submissions (3):

Labcorp Genetics (formerly Invitae), Labcorp
Classification: Likely benign. Last evaluated: 2023-05-11. Review status: criteria provided, single submitter. Criteria: Invitae Variant Classification Sherloc (09022015). Collection method: clinical testing. Allele origin: germline.

Mendelics
Classification: Uncertain significance. Last evaluated: 2022-05-04. Review status: criteria provided, single submitter. Criteria: Mendelics Assertion Criteria 2019. Collection method: clinical testing. Allele origin: germline.

Illumina Laboratory Services, Illumina
Classification: Likely benign for Autosomal dominant nonsyndromic hearing loss 4A. Last evaluated: 2017-07-21. Review status: criteria provided, single submitter. Criteria: ICSL Variant Classification Criteria 13 December 2019. Collection method: clinical testing. Allele origin: germline.
Comment: This variant was observed as part of a predisposition screen in an ostensibly healthy population. A literature search was performed for the gene, cDNA change, and amino acid change (where applicable). Publications were found based on this search. The evidence from the literature, in combination with allele frequency data from public databases where available, was sufficient to determine this variant is unlikely to cause disease. Therefore, this variant is classified as likely benign.

Literature cited by the submitters: PubMed 27393652 (cited by Illumina Laboratory Services, Illumina); PubMed 23967202 (cited by Illumina Laboratory Services, Illumina).